The following is an entry in ClinVar:

ClinVar aggregate classification (germline): Uncertain significance (1 of 4 stars; one submission).

Conditions:
Familial cancer of breast. Also called: hereditary breast carcinoma; BREAST CANCER, FAMILIAL; Hereditary breast cancer. Identifiers: Orphanet 227535, MedGen C0346153, MONDO:0016419, OMIM 114480. Disease mechanism: loss of function.

Submission:

Labcorp Genetics (formerly Invitae), Labcorp
Classification: Uncertain significance for Familial cancer of breast. Last evaluated: 2025-05-25. Review status: criteria provided, single submitter. Criteria: Invitae Variant Classification Sherloc (09022015). Collection method: clinical testing. Allele origin: germline.
Comment: This sequence change replaces glycine, which is neutral and non-polar, with aspartic acid, which is acidic and polar, at codon 30 of the BARD1 protein (p.Gly30Asp). This variant is not present in population databases (gnomAD no frequency). This variant has not been reported in the literature in individuals affected with BARD1-related conditions. An algorithm developed to predict the effect of missense changes on protein structure and function outputs the following: PolyPhen-2: "Benign". The aspartic acid amino acid residue is found in multiple mammalian species, which suggests that this missense change does not adversely affect protein function. In summary, the available evidence is currently insufficient to determine the role of this variant in disease. Therefore, it has been classified as a Variant of Uncertain Significance.

NM_000465.4(BARD1):c.89G>A (p.Gly30Asp)

Gene: BARD1 (BRCA1 associated RING domain 1; minus strand). Cytogenetic location: 2q35.
Variant type: single nucleotide variant.
Coding change: c.89G>A on transcript NM_000465.4 (MANE Select); coding-DNA position 89, G replaced by A.
Protein change: p.Gly30Asp; replaces glycine 30 with aspartic acid.
Molecular consequence: missense variant. On other transcripts: non-coding transcript variant (3).
Genome position (GRCh38, 1-based): chr2:214,809,481, C>T on the plus strand (G>A on the coding strand, the complement: BARD1 is on the minus strand). VCF-style: chr2-214809481-C-T. GRCh37 (hg19) VCF-style: chr2-215674205-C-T.
Other names: c.89G>A, p.Gly30Asp (NM_001282543.2, NM_001282545.2, NM_001282548.2 and 1 more transcripts); short protein forms G30D.
Identifiers: ClinVar variation 4720149 (VCV004720149.1).